The following is an entry in ClinVar:

NM_017570.5(OPLAH):c.682A>G (p.Ile228Val)

Gene: OPLAH (5-oxoprolinase, ATP-hydrolysing; minus strand). Cytogenetic location: 8q24.3.
Variant type: single nucleotide variant.
Coding change: c.682A>G on transcript NM_017570.5 (MANE Select); coding-DNA position 682, A replaced by G.
Protein change: p.Ile228Val; replaces isoleucine 228 with valine.
Molecular consequence: missense variant.
Genome position (GRCh38, 1-based): chr8:144,058,597, T>C on the plus strand (A>G on the coding strand, the complement: OPLAH is on the minus strand). VCF-style: chr8-144058597-T-C. GRCh37 (hg19) VCF-style: chr8-145113500-T-C.
Other names: short protein forms I228V.
Identifiers: ClinVar variation 3343777 (VCV003343777.1).
Genomic context (GRCh38, chr8:144,058,597, plus strand): 5'-AGCGCTGGATGGCGGGCGTGAGGTAGGCGTCGGCACAGGCCGTGTGCCCCCGAGGGACGA[T>C]GCGCACCATGGGCATGGCCTCCGAGGACAGTGACACGTGCGTGAAGCCCAGCTCCCGGGC-3'
Protein context (NP_060040.1, residues 218-238): LSSEAMPMVR[Ile228Val]VPRGHTACAD

ClinVar aggregate classification (germline): Uncertain significance (1 of 4 stars; one submission).

gnomAD v4.1: 7 of 1,603,284 alleles (0.00044%); highest among the groups gnomAD compares: Non-Finnish European, 0.00059%; no homozygotes.

Submission:

GeneDx
Classification: Uncertain significance. Last evaluated: 2023-05-22. Review status: criteria provided, single submitter. Criteria: GeneDx Variant Classification Process June 2021. Collection method: clinical testing. Allele origin: germline. Affected: yes.
Comment: Not observed at significant frequency in large population cohorts (gnomAD); In silico analysis supports that this missense variant does not alter protein structure/function; Has not been previously published as pathogenic or benign to our knowledge